The following is an entry in ClinVar:

NM_000313.4(PROS1):c.620T>C (p.Leu207Ser)

Gene: PROS1 (protein S; minus strand). Cytogenetic location: 3q11.1.
Variant type: single nucleotide variant.
Coding change: c.620T>C on transcript NM_000313.4 (MANE Select); coding-DNA position 620, T replaced by C.
Protein change: p.Leu207Ser; replaces leucine 207 with serine.
Molecular consequence: missense variant.
Genome position (GRCh38, 1-based): chr3:93,900,911, A>G on the plus strand (T>C on the coding strand, the complement: PROS1 is on the minus strand). VCF-style: chr3-93900911-A-G. GRCh37 (hg19) VCF-style: chr3-93619755-A-G.
Other names: c.716T>C, p.Leu239Ser (NM_001314077.2); short protein forms L207S, L239S.
Identifiers: ClinVar variation 3765537 (VCV003765537.2).

ClinVar aggregate classification (germline): Uncertain significance (1 of 4 stars; one submission).

Conditions:
Thrombophilia due to protein S deficiency, autosomal dominant (THPH5). Identifiers: Orphanet 26349, Orphanet 743, MedGen C3278211, MONDO:0012868, OMIM 612336. Disease mechanism: loss of function.

gnomAD v4.1: 1 of 1,613,974 alleles (0.000062%); highest among the groups gnomAD compares: Non-Finnish European, 0.000085%; no homozygotes.

Submission:

Institute of Clinical Chemistry and Institute of Clinical Molecular Biology, University Hospital Schleswig-Holstein, Campus Kiel
Classification: Uncertain significance for Thrombophilia due to protein S deficiency, autosomal dominant. Last evaluated: 2024-12-20. Review status: criteria provided, single submitter. Criteria: ACMG Guidelines, 2015. Collection method: clinical testing. Allele origin: germline. Affected: yes. Observed: 1 variant allele.
Comment: Applied ACMG criteria: PM2, BP4